The following is an entry in ClinVar:

ClinVar aggregate classification (germline): Uncertain significance. Review status: criteria provided, multiple submitters, no conflicts (2 of 4 stars). 2 submissions from 2 submitters: Uncertain significance (2). Last evaluated 2025-08-12.

Conditions:
Inborn genetic diseases. Identifiers: MedGen C0950123, MeSH D030342.
Joubert syndrome. Also called: CEREBELLOPARENCHYMAL DISORDER IV; JOUBERT-BOLTSHAUSER SYNDROME; Familial aplasia of the vermis. Identifiers: Orphanet 475, MedGen C5979921, MONDO:0018772.
Meckel-Gruber syndrome. Also called: DYSENCEPHALIA SPLANCHNOCYSTICA; GRUBER SYNDROME; Dysencephalia splachnocystica. Identifiers: Orphanet 564, MedGen C0265215, MONDO:0018921.

gnomAD v4.1: 3 of 1,614,206 alleles (0.00019%); highest among the groups gnomAD compares: Non-Finnish European, 0.00025%; no homozygotes.

Submissions (2):

Ambry Genetics
Classification: Uncertain significance for Inborn genetic diseases. Last evaluated: 2025-08-12. Review status: criteria provided, single submitter. Criteria: Ambry Variant Classification Scheme 2023. Collection method: clinical testing. Allele origin: germline.

Labcorp Genetics (formerly Invitae), Labcorp
Classification: Uncertain significance for Joubert syndrome; Meckel-Gruber syndrome. Last evaluated: 2022-05-16. Review status: criteria provided, single submitter. Criteria: Invitae Variant Classification Sherloc (09022015). Collection method: clinical testing. Allele origin: germline.
Comment: This sequence change replaces glutamine, which is neutral and polar, with histidine, which is basic and polar, at codon 53 of the TMEM67 protein (p.Gln53His). This variant is not present in population databases (gnomAD no frequency). This variant has not been reported in the literature in individuals affected with TMEM67-related conditions. Advanced modeling of protein sequence and biophysical properties (such as structural, functional, and spatial information, amino acid conservation, physicochemical variation, residue mobility, and thermodynamic stability) performed at Invitae indicates that this missense variant is not expected to disrupt TMEM67 protein function. In summary, the available evidence is currently insufficient to determine the role of this variant in disease. Therefore, it has been classified as a Variant of Uncertain Significance.

NM_153704.6(TMEM67):c.159G>C (p.Gln53His)

Gene: TMEM67 (transmembrane protein 67; plus strand). Cytogenetic location: 8q22.1.
Variant type: single nucleotide variant.
Coding change: c.159G>C on transcript NM_153704.6 (MANE Select); coding-DNA position 159, G replaced by C.
Protein change: p.Gln53His; replaces glutamine 53 with histidine.
Molecular consequence: missense variant. On other transcripts: 5 prime UTR variant (1), non-coding transcript variant (1).
Genome position (GRCh38, 1-based): chr8:93,755,073, G>C. VCF-style: chr8-93755073-G-C. GRCh37 (hg19) VCF-style: chr8-94767301-G-C.
Other names: c.-126G>C (NM_001142301.1); short protein forms Q53H.
Identifiers: ClinVar variation 2069407 (VCV002069407.2), dbSNP rs998413541, ClinGen allele CA181304242.
Genomic context (GRCh38, chr8:93,755,073, plus strand): 5'-CTTACAGGCCCAGACCTTCTCTTTCCCTTTCCAGCAGCCGGAGAAGTGCGACAACAACCA[G>C]TACTTTGATATCTCCGCCCTCTCGTGTGTTCCTTGTGGAGCTAACCAGAGGCAAGATGCC-3'
Protein context (NP_714915.3, residues 43-63): FQQPEKCDNN[Gln53His]YFDISALSCV